The following is an entry in ClinVar:

ClinVar aggregate classification (germline): Uncertain significance (1 of 4 stars; one submission).

Submission:

GeneDx
Classification: Uncertain significance. Last evaluated: 2025-01-14. Review status: criteria provided, single submitter. Criteria: GeneDx Variant Classification Process June 2021. Collection method: clinical testing. Allele origin: germline. Affected: yes.
Comment: Not observed at significant frequency in large population cohorts (gnomAD); In silico analysis indicates that this missense variant does not alter protein structure/function; Has not been previously published as pathogenic or benign to our knowledge

NM_001378120.1(MBD5):c.2709C>G (p.Asn903Lys)

Gene: MBD5 (methyl-CpG binding domain protein 5; plus strand). Cytogenetic location: 2q23.1.
Variant type: single nucleotide variant.
Coding change: c.2709C>G on transcript NM_001378120.1 (MANE Select); coding-DNA position 2709, C replaced by G.
Protein change: p.Asn903Lys; replaces asparagine 903 with lysine.
Molecular consequence: missense variant.
Genome position (GRCh38, 1-based): chr2:148,483,300, C>G. VCF-style: chr2-148483300-C-G. GRCh37 (hg19) VCF-style: chr2-149240869-C-G.
Other names: c.2709C>G, p.Asn903Lys (NM_018328.5); short protein forms N903K.
Identifiers: ClinVar variation 4057176 (VCV004057176.1).
Genomic context (GRCh38, chr2:148,483,300, plus strand): 5'-ACCCATTGGGAGTGATTTTCCTTTTGTTGGCCAGGAGCACGCACTTCATTTTCCATCCAA[C>G]AGCACTTCAAACAACCATCTTCCACACCCCTTGAACCCCAGCCTCCTCAGTTCTCTACCT-3'
Protein context (NP_001365049.1, residues 893-913): GQEHALHFPS[Asn903Lys]STSNNHLPHP